The following is an entry in ClinVar:

NM_003108.4(SOX11):c.628G>T (p.Gly210Cys)

Gene: SOX11 (SRY-box transcription factor 11; plus strand). Cytogenetic location: 2p25.2.
Variant type: single nucleotide variant.
Coding change: c.628G>T on transcript NM_003108.4 (MANE Select); coding-DNA position 628, G replaced by T.
Protein change: p.Gly210Cys; replaces glycine 210 with cysteine.
Molecular consequence: missense variant.
Genome position (GRCh38, 1-based): chr2:5,693,349, G>T. VCF-style: chr2-5693349-G-T. GRCh37 (hg19) VCF-style: chr2-5833481-G-T.
Other names: c.628G>T (NM_003108.3); short protein forms G210C.
Identifiers: ClinVar variation 2909835 (VCV002909835.4), dbSNP rs748010810, ClinGen allele CA1517876.
Genomic context (GRCh38, chr2:5,693,349, plus strand): 5'-GACTACGGGGGCGCGGGCGACGACTACGTGCTGGGCAGCCTGCGCGTGAGCGGCTCGGGC[G>T]GCGGCGGCGCGGGCAAGACGGTCAAGTGCGTGTTTCTGGATGAGGACGACGACGACGACG-3'
Protein context (NP_003099.1, residues 200-220): LGSLRVSGSG[Gly210Cys]GGAGKTVKCV

ClinVar aggregate classification (germline): Conflicting classifications of pathogenicity. Review status: criteria provided, conflicting classifications (1 of 4 stars). 2 submissions from 2 submitters: Uncertain significance (1); Likely benign (1). Last evaluated 2026-01-19.

Conditions:
Inborn genetic diseases. Identifiers: MedGen C0950123, MeSH D030342.

Allele frequency attached by ClinVar (database versions not stated): TOPMed 0.00004; gnomAD 0.00003.

Submissions (2):

Labcorp Genetics (formerly Invitae), Labcorp
Classification: Uncertain significance. Last evaluated: 2026-01-19. Review status: criteria provided, single submitter. Criteria: Invitae Variant Classification Sherloc (09022015). Collection method: clinical testing. Allele origin: germline.
Comment: This sequence change replaces glycine, which is neutral and non-polar, with cysteine, which is neutral and slightly polar, at codon 210 of the SOX11 protein (p.Gly210Cys). This variant is present in population databases (rs748010810, gnomAD 0.008%). This variant has not been reported in the literature in individuals affected with SOX11-related conditions. ClinVar contains an entry for this variant (Variation ID: 2909835). Invitae Evidence Modeling of protein sequence and biophysical properties (such as structural, functional, and spatial information, amino acid conservation, physicochemical variation, residue mobility, and thermodynamic stability) indicates that this missense variant is not expected to disrupt SOX11 protein function with a negative predictive value of 95%. In summary, the available evidence is currently insufficient to determine the role of this variant in disease. Therefore, it has been classified as a Variant of Uncertain Significance.

Ambry Genetics
Classification: Likely benign for Inborn genetic diseases. Last evaluated: 2024-11-23. Review status: criteria provided, single submitter. Criteria: Ambry Variant Classification Scheme 2023. Collection method: clinical testing. Allele origin: germline.